The following is an entry in ClinVar:

NM_000535.7(PMS2):c.1048C>G (p.Leu350Val)

Gene: PMS2 (PMS1 homolog 2, mismatch repair system component; minus strand). Cytogenetic location: 7p22.1.
Variant type: single nucleotide variant.
Coding change: c.1048C>G on transcript NM_000535.7 (MANE Select); coding-DNA position 1048, C replaced by G.
Protein change: p.Leu350Val; replaces leucine 350 with valine.
Molecular consequence: missense variant. On other transcripts: non-coding transcript variant (1), intron variant (2).
Genome position (GRCh38, 1-based): chr7:5,989,896, G>C on the plus strand (C>G on the coding strand, the complement: PMS2 is on the minus strand). VCF-style: chr7-5989896-G-C. GRCh37 (hg19) VCF-style: chr7-6029527-G-C.
Other names: c.1048C>G (NM_000535.5); c.643C>G, p.Leu215Val (NM_001322003.2, NM_001322004.2, NM_001322005.2 and 1 more transcripts); c.730C>G, p.Leu244Val (NM_001322007.2, NM_001322008.2); c.115C>G, p.Leu39Val (NM_001322011.2, NM_001322012.2); c.475C>G, p.Leu159Val (NM_001322013.2); c.1048C>G, p.Leu350Val (NM_001322014.2); c.739C>G, p.Leu247Val (NM_001322015.2); c.583+2077C>G (NM_001322010.2); and 1 more; short protein forms L159V, L39V, L244V, L215V, L247V, L350V.
Identifiers: ClinVar variation 1523188 (VCV001523188.7), dbSNP rs587782875, ClinGen allele CA366742913.

ClinVar aggregate classification (germline): Uncertain significance. Review status: criteria provided, multiple submitters, no conflicts (2 of 4 stars). 2 submissions from 2 submitters: Uncertain significance (2). Last evaluated 2026-07-07.

Conditions:
Hereditary cancer-predisposing syndrome. Also called: Hereditary Cancer Syndrome; Tumor predisposition; Neoplastic Syndromes, Hereditary; Hereditary neoplastic syndrome. Identifiers: Orphanet 140162, MedGen C0027672, MeSH D009386, MONDO:0015356.
Hereditary nonpolyposis colorectal neoplasms. Identifiers: MedGen C0009405, MeSH D003123.

Submissions (2):

Ambry Genetics
Classification: Uncertain significance for Hereditary cancer-predisposing syndrome. Last evaluated: 2026-07-07. Review status: criteria provided, single submitter. Criteria: Ambry Variant Classification Scheme 2023. Collection method: clinical testing. Allele origin: germline.
Comment: The p.L350V variant (also known as c.1048C>G), located in coding exon 10 of the PMS2 gene, results from a C to G substitution at nucleotide position 1048. The leucine at codon 350 is replaced by valine, an amino acid with highly similar properties. This amino acid position is conserved. In addition, the in silico prediction for this alteration is inconclusive. Based on the available evidence, the clinical significance of this variant remains unclear.

Labcorp Genetics (formerly Invitae), Labcorp
Classification: Uncertain significance for Hereditary nonpolyposis colorectal neoplasms. Last evaluated: 2024-03-06. Review status: criteria provided, single submitter. Criteria: Invitae Variant Classification Sherloc (09022015). Collection method: clinical testing. Allele origin: germline.
Comment: This sequence change replaces leucine, which is neutral and non-polar, with valine, which is neutral and non-polar, at codon 350 of the PMS2 protein (p.Leu350Val). This variant is not present in population databases (gnomAD no frequency). This variant has not been reported in the literature in individuals affected with PMS2-related conditions. ClinVar contains an entry for this variant (Variation ID: 1523188). Advanced modeling of protein sequence and biophysical properties (such as structural, functional, and spatial information, amino acid conservation, physicochemical variation, residue mobility, and thermodynamic stability) performed at Invitae indicates that this missense variant is not expected to disrupt PMS2 protein function with a negative predictive value of 80%. In summary, the available evidence is currently insufficient to determine the role of this variant in disease. Therefore, it has been classified as a Variant of Uncertain Significance.